The following is an entry in ClinVar:

ClinVar aggregate classification (germline): Uncertain significance (1 of 4 stars; one submission).

Conditions:
GRN-related frontotemporal lobar degeneration with Tdp43 inclusions (FTD2). Also called: DEMENTIA, HEREDITARY DYSPHASIC DISINHIBITION; FRONTOTEMPORAL LOBAR DEGENERATION WITH UBIQUITIN-POSITIVE INCLUSIONS; FTLD-TDP, GRN-RELATED; GRN Frontotemporal Dementia; FRONTOTEMPORAL DEMENTIA WITH TDP43 INCLUSIONS, GRN-RELATED. Identifiers: Orphanet 100070, Orphanet 282, MedGen C1843792, MONDO:0011842, OMIM 607485. Disease mechanism: loss of function.
Neuronal ceroid lipofuscinosis 11. Also called: GRN-Related Neuronal Ceroid-Lipofuscinosis. Identifiers: Orphanet 314629, Orphanet 79262, MedGen C3539123, MONDO:0013866, OMIM 614706.

Submission:

Labcorp Genetics (formerly Invitae), Labcorp
Classification: Uncertain significance for Neuronal ceroid lipofuscinosis 11; GRN-related frontotemporal lobar degeneration with Tdp43 inclusions. Last evaluated: 2022-09-01. Review status: criteria provided, single submitter. Criteria: Invitae Variant Classification Sherloc (09022015). Collection method: clinical testing. Allele origin: germline.
Comment: In summary, the available evidence is currently insufficient to determine the role of this variant in disease. Therefore, it has been classified as a Variant of Uncertain Significance. Experimental studies and prediction algorithms are not available or were not evaluated, and the functional significance of this variant is currently unknown. ClinVar contains an entry for this variant (Variation ID: 1367781). This variant has not been reported in the literature in individuals affected with GRN-related conditions. Information on the frequency of this variant in the gnomAD database is not available, as this variant may be reported differently in the database. This variant, c.456_457delinsAT, is a complex sequence change that results in the deletion of 1 and insertion of 2 amino acid(s) in the GRN protein (p.Met152_Pro153delinsIleSer).

NM_002087.4(GRN):c.456_457delinsAT (p.Met152_Pro153delinsIleSer)

Gene: GRN (granulin precursor; plus strand). Cytogenetic location: 17q21.31.
Variant type: Indel.
Coding change: c.456_457delinsAT on transcript NM_002087.4 (MANE Select); coding-DNA positions 456 to 457, GC replaced by AT.
Protein change: p.Met152_Pro153delinsIleSer.
Molecular consequence: missense variant.
Genome position (GRCh38, 1-based): chr17:44,350,334-44,350,335, GC replaced by AT. VCF-style: chr17-44350334-GC-AT. GRCh37 (hg19) VCF-style: chr17-42427702-GC-AT.
Identifiers: ClinVar variation 1367781 (VCV001367781.8), dbSNP rs2143332050, ClinGen allele CA2573153933.
Genomic context (GRCh38, chr17:44,350,334, plus strand): 5'-ATGCCCGGACTTCTCCACGTGCTGTGTTATGGTCGATGGCTCCTGGGGGTGCTGCCCCAT[GC>AT]CCCAGGTACAAATCTGGGGGAGATGGGGGTATGTGGAGGGAAGTGGGGGCAGAGTTGGGG-3'